The following is an entry in ClinVar:

ClinVar aggregate classification (germline): Pathogenic (1 of 4 stars; one submission).

Conditions:
GM3 synthase deficiency (SPDRS). Also called: AMISH INFANTILE EPILEPSY SYNDROME; SALT AND PEPPER MENTAL RETARDATION SYNDROME; SALT AND PEPPER DEVELOPMENTAL REGRESSION SYNDROME. Identifiers: Orphanet 171714, Orphanet 370933, MedGen C1836824, MONDO:0018274, OMIM 609056.

Submission:

Labcorp Genetics (formerly Invitae), Labcorp
Classification: Pathogenic for GM3 synthase deficiency. Last evaluated: 2024-08-19. Review status: criteria provided, single submitter. Criteria: Invitae Variant Classification Sherloc (09022015). Collection method: clinical testing. Allele origin: germline.
Comment: This sequence change creates a premature translational stop signal (p.Arg334Glufs*15) in the ST3GAL5 gene. While this is not anticipated to result in nonsense mediated decay, it is expected to disrupt the last 85 amino acid(s) of the ST3GAL5 protein. This variant is present in population databases (no rsID available, gnomAD 0.01%). This premature translational stop signal has been observed in individual(s) with clinical features of ST3GAL5-related conditions (PMID: 32005694). This variant disrupts a region of the ST3GAL5 protein in which other variant(s) (p.Arg334*) have been determined to be pathogenic (PMID: 34906476; Invitae). This suggests that this is a clinically significant region of the protein, and that variants that disrupt it are likely to be disease-causing. For these reasons, this variant has been classified as Pathogenic.

Literature cited by the submitters: PubMed 32005694; PubMed 34906476.

NM_003896.4(ST3GAL5):c.1000del (p.Arg334fs)

Gene: ST3GAL5 (ST3 beta-galactoside alpha-2,3-sialyltransferase 5; minus strand). Cytogenetic location: 2p11.2.
Variant type: Deletion.
Coding change: c.1000del on transcript NM_003896.4 (MANE Select); coding-DNA position 1000, one base deleted (C; older notation c.1000delC).
Protein change: p.Arg334fs; shifts the reading frame from arginine 334.
Molecular consequence: frameshift variant. On other transcripts: intron variant (1).
Genome position (GRCh38, 1-based): chr2:85,844,404, G deleted on the plus strand (C on the coding strand, the reverse complement: ST3GAL5 is on the minus strand); the first of 2 consecutive G bases (chr2:85,844,404-85,844,405); deleting either gives the same sequence. VCF-style (leftmost placement, unchanged base first): chr2-85844403-CG-C. GRCh37 (hg19) VCF-style: chr2-86071526-CG-C.
Other names: c.931del, p.Arg311fs (NM_001042437.2); c.849+1973del (NM_001363847.1); c.616del, p.Arg206fs (NM_001354223.2, NM_001354224.2, NM_001354226.2 and 3 more transcripts); c.916del, p.Arg306fs (NM_001354227.2, NM_001354229.2, NM_001354238.1); c.277del, p.Arg93fs (NM_001354247.1); short protein forms R206fs, R334fs, R93fs, R306fs, R311fs.
Identifiers: ClinVar variation 2873426 (VCV002873426.3), dbSNP rs1475670133, ClinGen allele CA534197518.
Genomic context (GRCh38, chr2:85,844,403, plus strand): 5'-ACACATCGCCCCTCAAACAGGGAATGATTAACTTTGAGTAGCAACAAAAATACCTTATCT[CG>C]GCCCCAGAACCTTGACTGAGGCTCTGAGTACTGAAGGATGTCAAAGGCAGTCTCTTTGAT-3'